The following is an entry in ClinVar:

ClinVar aggregate classification (germline): Benign (0 of 4 stars; one submission).

Conditions:
BCLAF1-related disorder. Also called: BCLAF1-related condition.

Allele frequency attached by ClinVar (database versions not stated): TOPMed below 0.00001; ExAC 0.49878.

Submission:

PreventionGenetics, part of Exact Sciences
Classification: Benign for BCLAF1-related condition. Last evaluated: 2020-04-16. Review status: no assertion criteria provided. Collection method: clinical testing. Allele origin: germline.
Comment: This variant is classified as benign based on ACMG/AMP sequence variant interpretation guidelines (Richards et al. 2015 PMID: 25741868, with internal and published modifications).

NM_014739.3(BCLAF1):c.2154T>G (p.Ser718Arg)

Gene: BCLAF1 (BCL2 associated transcription factor 1; minus strand). Cytogenetic location: 6q23.3.
Variant type: single nucleotide variant.
Coding change: c.2154T>G on transcript NM_014739.3 (MANE Select); coding-DNA position 2154, T replaced by G.
Protein change: p.Ser718Arg; replaces serine 718 with arginine.
Molecular consequence: missense variant. On other transcripts: non-coding transcript variant (7), intron variant (1).
Genome position (GRCh38, 1-based): chr6:136,269,502, A>C on the plus strand (T>G on the coding strand, the complement: BCLAF1 is on the minus strand). VCF-style: chr6-136269502-A-C. GRCh37 (hg19) VCF-style: chr6-136590640-A-C.
Other names: c.2148T>G, p.Ser716Arg (NM_001077440.3, NM_001301038.3); c.1635T>G, p.Ser545Arg (NM_001077441.3, NM_001386697.1, NM_001386702.1 and 1 more transcripts); c.2154T>G, p.Ser718Arg (NM_001363659.3, NM_001386700.1, NM_001386701.1); c.2151T>G, p.Ser717Arg (NM_001386693.1, NM_001386694.1); c.1632T>G, p.Ser544Arg (NM_001386695.1); c.1629T>G, p.Ser543Arg (NM_001386696.1, NM_001386698.1, NM_001386703.1); c.1017-1163T>G (NM_001386699.1); short protein forms S543R, S544R, S545R, S716R, S717R, S718R.
Identifiers: ClinVar variation 3059178 (VCV003059178.2), dbSNP rs62431286, ClinGen allele CA4014319.